The following is an entry in ClinVar:

ClinVar aggregate classification (germline): Uncertain significance (1 of 4 stars; one submission).

Conditions:
Hereditary cancer-predisposing syndrome. Also called: Neoplastic Syndromes, Hereditary; Tumor predisposition; Hereditary neoplastic syndrome; Hereditary Cancer Syndrome. Identifiers: Orphanet 140162, MedGen C0027672, MeSH D009386, MONDO:0015356.

Submission:

Ambry Genetics
Classification: Uncertain significance for Hereditary cancer-predisposing syndrome. Last evaluated: 2026-07-02. Review status: criteria provided, single submitter. Criteria: Ambry Variant Classification Scheme 2023. Collection method: clinical testing. Allele origin: germline.
Comment: The p.E138G variant (also known as c.413A>G), located in coding exon 3 of the FLCN gene, results from an A to G substitution at nucleotide position 413. The glutamic acid at codon 138 is replaced by glycine, an amino acid with similar properties. This amino acid position is conserved. In addition, this alteration is predicted to be deleterious by in silico analysis. Based on the available evidence, the clinical significance of this variant remains unclear.

NM_144997.7(FLCN):c.413A>G (p.Glu138Gly)

Gene: FLCN (folliculin; minus strand). Cytogenetic location: 17p11.2.
Variant type: single nucleotide variant.
Coding change: c.413A>G on transcript NM_144997.7 (MANE Select); coding-DNA position 413, A replaced by G.
Protein change: p.Glu138Gly; replaces glutamic acid 138 with glycine.
Molecular consequence: missense variant.
Genome position (GRCh38, 1-based): chr17:17,224,127, T>C on the plus strand (A>G on the coding strand, the complement: FLCN is on the minus strand). VCF-style: chr17-17224127-T-C. GRCh37 (hg19) VCF-style: chr17-17127441-T-C.
Other names: c.467A>G, p.Glu156Gly (NM_001353229.2); c.413A>G, p.Glu138Gly (NM_001353230.2, NM_001353231.2, NM_144606.7); short protein forms E156G, E138G.
Identifiers: ClinVar variation 5021824 (VCV005021824.1).